The following is an entry in ClinVar:

NM_000038.6(APC):c.907del (p.Arg303fs)

Gene: APC (APC regulator of Wnt signaling pathway; plus strand). Cytogenetic location: 5q22.2.
Variant type: Deletion.
Coding change: c.907del on transcript NM_000038.6 (MANE Select); coding-DNA position 907, one base deleted (A; older notation c.907delA).
Protein change: p.Arg303fs; shifts the reading frame from arginine 303.
Molecular consequence: frameshift variant. On other transcripts: non-coding transcript variant (2).
Genome position (GRCh38, 1-based): chr5:112,815,567, A deleted; the last of 2 consecutive A bases (chr5:112,815,566-112,815,567); deleting either gives the same sequence. VCF-style (leftmost placement, unchanged base first): chr5-112815565-GA-G. GRCh37 (hg19) VCF-style: chr5-112151262-GA-G.
Other names: c.907del, p.Arg303fs (NM_001127510.3, NM_001354895.2, NM_001354896.2 and 12 more transcripts); c.853del, p.Arg285fs (NM_001127511.3); c.937del, p.Arg313fs (NM_001354897.2, NM_001354902.2, NM_001407446.1); c.832del, p.Arg278fs (NM_001354898.2, NM_001354904.2, NM_001407451.1); c.823del, p.Arg275fs (NM_001354899.2, NM_001407452.1, NM_001407467.1 and 1 more transcripts); c.730del, p.Arg244fs (NM_001354900.2, NM_001354901.2, NM_001354905.2 and 1 more transcripts); c.58del, p.Arg20fs (NM_001354906.2, NM_001407470.1, NM_001407471.1 and 1 more transcripts); short protein forms R20fs, R244fs, R275fs, R278fs, R285fs, R303fs, R313fs.
Identifiers: ClinVar variation 2584080 (VCV002584080.1), dbSNP rs2532971503, ClinGen allele CA2582341290.

ClinVar aggregate classification (germline): Pathogenic (1 of 4 stars; one submission).

Conditions:
Familial adenomatous polyposis 1 (FAP1). Also called: FAMILIAL ADENOMATOUS POLYPOSIS 1, ATTENUATED; POLYPOSIS, ADENOMATOUS INTESTINAL. Identifiers: MedGen C2713442, MONDO:0021056, OMIM 175100. Disease mechanism: loss of function.

Submission:

Myriad Genetics, Inc.
Classification: Pathogenic for Familial adenomatous polyposis 1. Last evaluated: 2023-04-27. Review status: criteria provided, single submitter. Criteria: Myriad Autosomal Dominant, Autosomal Recessive and X-Linked Classification Criteria (2023). Collection method: clinical testing. Allele origin: unknown.
Comment: This variant is considered pathogenic. This variant creates a frameshift predicted to result in premature protein truncation.